The following is an entry in ClinVar:

NM_003239.5(TGFB3):c.927-19T>C

Gene: TGFB3 (transforming growth factor beta 3; minus strand). Cytogenetic location: 14q24.3.
Variant type: single nucleotide variant.
Coding change: c.927-19T>C on transcript NM_003239.5 (MANE Select); 19 bases into the intron before coding-DNA position 927, T replaced by C.
Molecular consequence: intron variant.
Genome position (GRCh38, 1-based): chr14:75,961,095, A>G on the plus strand (T>C on the coding strand, the complement: TGFB3 is on the minus strand). VCF-style: chr14-75961095-A-G. GRCh37 (hg19) VCF-style: chr14-76427438-A-G.
Other names: c.927-19T>C (NM_001329939.2).
Identifiers: ClinVar variation 682160 (VCV000682160.6), dbSNP rs199714510, ClinGen allele CA7280299.

ClinVar aggregate classification (germline): Likely benign. Review status: criteria provided, multiple submitters, no conflicts (2 of 4 stars). 3 submissions from 3 submitters: Likely benign (3). Last evaluated 2025-10-07.

Conditions:
Rienhoff syndrome. Also called: LOEYS-DIETZ SYNDROME 5. Identifiers: MedGen C3810012, MONDO:0014262, OMIM 615582.

Allele frequency attached by ClinVar (database versions not stated): gnomAD 0.00001; gnomAD exomes 0.00002 and 0.00003; TOPMed 0.00002; ExAC 0.00003.

Submissions (3):

Labcorp Genetics (formerly Invitae), Labcorp
Classification: Likely benign for Rienhoff syndrome. Last evaluated: 2025-10-07. Review status: criteria provided, single submitter. Criteria: Invitae Variant Classification Sherloc (09022015). Collection method: clinical testing. Allele origin: germline.

Blueprint Genetics
Classification: Likely benign. Last evaluated: 2024-09-19. Review status: criteria provided, single submitter. Criteria: ACMG Guidelines, 2015. Collection method: clinical testing. Allele origin: germline.

GeneDx
Classification: Likely benign. Last evaluated: 2018-04-24. Review status: criteria provided, single submitter. Criteria: GeneDx Variant Classification (06012015). Collection method: clinical testing. Allele origin: germline. Affected: yes.
Comment: This variant is considered likely benign or benign based on one or more of the following criteria: it is a conservative change, it occurs at a poorly conserved position in the protein, it is predicted to be benign by multiple in silico algorithms, and/or has population frequency not consistent with disease.